The following is an entry in ClinVar:

NM_004006.3(DMD):c.2508dup (p.Asn837Ter)

Gene: DMD (dystrophin; minus strand). Cytogenetic location: Xp21.1.
Variant type: Duplication.
Coding change: c.2508dup on transcript NM_004006.3 (MANE Select); coding-DNA position 2508, one base duplicated (T; older notation c.2508dupT).
Protein change: p.Asn837Ter; replaces asparagine 837 with a stop codon.
Molecular consequence: nonsense.
Genome position (GRCh38, 1-based): chrX:32,491,391, A duplicated on the plus strand (T on the coding strand, the reverse complement: DMD is on the minus strand). VCF-style (leftmost placement, unchanged base first): chrX-32491390-T-TA. GRCh37 (hg19) VCF-style: chrX-32509507-T-TA.
Other names: c.2484dup, p.Asn829Ter (NM_000109.4); c.2496dup, p.Asn833Ter (NM_004009.3); c.2139dup, p.Asn714Ter (NM_004010.3); short protein forms N829*, N833*, N837*, N714*.
Identifiers: ClinVar variation 963558 (VCV000963558.8), dbSNP rs2042983140, ClinGen allele CA1139667373.

ClinVar aggregate classification (germline): Pathogenic (1 of 4 stars; one submission).

Conditions:
Duchenne muscular dystrophy (DMD). Also called: MUSCULAR DYSTROPHY, PSEUDOHYPERTROPHIC PROGRESSIVE, DUCHENNE TYPE; Duchenne Muscular Dystrophy (DMD). Identifiers: Orphanet 98896, MedGen C0013264, MONDO:0010679, OMIM 310200.

Submission:

Labcorp Genetics (formerly Invitae), Labcorp
Classification: Pathogenic for Duchenne muscular dystrophy. Last evaluated: 2019-07-22. Review status: criteria provided, single submitter. Criteria: Invitae Variant Classification Sherloc (09022015). Collection method: clinical testing. Allele origin: germline.
Comment: Loss-of-function variants in DMD are known to be pathogenic (PMID: 16770791, 25007885). For these reasons, this variant has been classified as Pathogenic. This variant has not been reported in the literature in individuals with DMD-related conditions. This variant is not present in population databases (ExAC no frequency). This sequence change creates a premature translational stop signal (p.Asn837*) in the DMD gene. It is expected to result in an absent or disrupted protein product.

Literature cited by the submitters: PubMed 16770791; PubMed 25007885.